The following is an entry in ClinVar:

ClinVar aggregate classification (germline): Benign (3 of 4 stars; one submission).

Conditions:
Breast-ovarian cancer, familial, susceptibility to, 1 (BROVCA1). Also called: BRCA1 Hereditary Breast and Ovarian Cancer; OVARIAN CANCER, SUSCEPTIBILITY TO. Identifiers: Orphanet 145, MedGen C2676676, MONDO:0011450, OMIM 604370. Disease mechanism: loss of function.

Allele frequency attached by ClinVar (database versions not stated): TOPMed 0.28582; gnomAD 0.29329 and 0.30183; 1000 Genomes Project 30x 0.33182; 1000 Genomes Project 0.33806.
gnomAD v4.1: 45,882 of 151,890 alleles (30%); highest among the groups gnomAD compares: South Asian, 49%; 7,448 homozygotes.

Submission:

Evidence-based Network for the Interpretation of Germline Mutant Alleles (ENIGMA)
Classification: Benign for Breast-ovarian cancer, familial 1. Last evaluated: 2015-01-12. Review status: reviewed by expert panel. Criteria: ENIGMA BRCA1/2 Classification Criteria (2015). Collection method: curation. Allele origin: germline.
Comment: Class 1 not pathogenic based on frequency >1% in an outbred sampleset. Frequency 0.3287 (Asian), 0.1321 (African), 0.3562 (European), derived from 1000 genomes (2012-04-30).

NM_007294.4(BRCA1):c.4185+3489C>T

Gene: BRCA1 (BRCA1 DNA repair associated; minus strand). Cytogenetic location: 17q21.31.
Variant type: single nucleotide variant.
Coding change: c.4185+3489C>T on transcript NM_007294.4 (MANE Select); 3489 bases into the intron after coding-DNA position 4185, C replaced by T.
Molecular consequence: intron variant.
Genome position (GRCh38, 1-based): chr17:43,087,455, G>A on the plus strand (C>T on the coding strand, the complement: BRCA1 is on the minus strand). VCF-style: chr17-43087455-G-A. GRCh37 (hg19) VCF-style: chr17-41239472-G-A.
Other names: IVS 12+3489C>T; c.4044+3489C>T (NM_001407752.1, NM_001407944.1, NM_001407734.1 and 29 more transcripts); c.3918+3489C>T (NM_001407934.1, NM_001407936.1, NM_001407930.1 and 2 more transcripts); c.612+3489C>T (NM_001408497.1, NM_001408496.1, NM_001408499.1 and 3 more transcripts); c.876+3489C>T (NM_001407973.1, NM_001408403.1, NM_001407983.1 and 17 more transcripts); c.4185+3489C>T (NM_001407596.1, NM_001407622.1, NM_001407602.1 and 30 more transcripts); c.3297+3489C>T (NM_001407966.1, NM_001407967.1); c.3804+3489C>T (NM_001407963.1, NM_001407960.1, NM_001407959.1); and 42 more.
Identifiers: ClinVar variation 209424 (VCV000209424.2), dbSNP rs8176171, ClinGen allele CA276396.
Genomic context (GRCh38, chr17:43,087,455, plus strand): 5'-GCTCACGCCTGTAACCCCAGCACTTTGGGAGGCCGAGGTGGGTGGATCACTTGAGGCCAG[G>A]AGTTTGAGACCAGCCTGGTCAACATGGAGAAACCCTGTCTCTACTAAAAATACAAAGTTA-3'